The following is an entry in ClinVar:

NM_001130987.2(DYSF):c.1609G>T (p.Gly537Trp)

Gene: DYSF (dysferlin; plus strand). Cytogenetic location: 2p13.2.
Variant type: single nucleotide variant.
Coding change: c.1609G>T on transcript NM_001130987.2 (MANE Select); coding-DNA position 1609, G replaced by T.
Protein change: p.Gly537Trp; replaces glycine 537 with tryptophan.
Molecular consequence: missense variant.
Genome position (GRCh38, 1-based): chr2:71,551,073, G>T. VCF-style: chr2-71551073-G-T. GRCh37 (hg19) VCF-style: chr2-71778203-G-T.
Other names: c.1558G>T, p.Gly520Trp (NM_001130455.2, NM_001130983.2); c.1513G>T, p.Gly505Trp (NM_001130976.2, NM_001130977.2); c.1555G>T, p.Gly519Trp (NM_001130978.2, NM_003494.4); c.1648G>T, p.Gly550Trp (NM_001130979.2); c.1606G>T, p.Gly536Trp (NM_001130980.2, NM_001130981.2); c.1651G>T, p.Gly551Trp (NM_001130982.2); c.1516G>T, p.Gly506Trp (NM_001130984.2, NM_001130986.2); c.1609G>T, p.Gly537Trp (NM_001130985.2); short protein forms G505W, G506W, G536W, G551W, G519W, G550W, G537W, G520W.
Identifiers: ClinVar variation 2819412 (VCV002819412.3), dbSNP rs121908962, ClinGen allele CA347217357.

ClinVar aggregate classification (germline): Likely pathogenic (1 of 4 stars; one submission).

Conditions:
Neuromuscular disease caused by qualitative or quantitative defects of dysferlin. Also called: Dysferlinopathy; Qualitative or quantitative defects of dysferlin. Identifiers: Orphanet 207073, MedGen C2931687, MONDO:0016145.

Submission:

Labcorp Genetics (formerly Invitae), Labcorp
Classification: Likely pathogenic for Neuromuscular disease caused by qualitative or quantitative defects of dysferlin. Last evaluated: 2022-12-08. Review status: criteria provided, single submitter. Criteria: Invitae Variant Classification Sherloc (09022015). Collection method: clinical testing. Allele origin: germline.
Comment: In summary, the currently available evidence indicates that the variant is pathogenic, but additional data are needed to prove that conclusively. Therefore, this variant has been classified as Likely Pathogenic. This variant disrupts the p.Gly519 amino acid residue in DYSF. Other variant(s) that disrupt this residue have been determined to be pathogenic (PMID: 17287450, 30107846). This suggests that this residue is clinically significant, and that variants that disrupt this residue are likely to be disease-causing. Advanced modeling of protein sequence and biophysical properties (such as structural, functional, and spatial information, amino acid conservation, physicochemical variation, residue mobility, and thermodynamic stability) performed at Invitae indicates that this missense variant is expected to disrupt DYSF protein function. This variant has not been reported in the literature in individuals affected with DYSF-related conditions. This variant is not present in population databases (gnomAD no frequency). This sequence change replaces glycine, which is neutral and non-polar, with tryptophan, which is neutral and slightly polar, at codon 519 of the DYSF protein (p.Gly519Trp).

Literature cited by the submitters: PubMed 17287450; PubMed 30107846.